The following is an entry in ClinVar:

NM_001010892.3(RSPH4A):c.84A>G (p.Thr28=)

Genes: RSPH4A (radial spoke head component 4A; plus strand), LOC129997052 (ATAC-STARR-seq lymphoblastoid active region 24998; plus strand). Cytogenetic location: 6q22.1.
Variant type: single nucleotide variant.
Coding change: c.84A>G on transcript NM_001010892.3 (MANE Select); coding-DNA position 84, A replaced by G.
Protein change: p.Thr28=; no amino-acid change (threonine 28 retained).
Molecular consequence: synonymous variant.
Genome position (GRCh38, 1-based): chr6:116,616,707, A>G. VCF-style: chr6-116616707-A-G. GRCh37 (hg19) VCF-style: chr6-116937870-A-G.
Other names: c.84A>G, p.Thr28= (NM_001161664.2).
Identifiers: ClinVar variation 1025255 (VCV001025255.9), dbSNP rs1775508382, ClinGen allele CA451903561.
Genomic context (GRCh38, chr6:116,616,707, plus strand): 5'-GCAAGAAAAAGAAAACCAAGAAGAACTAGGGGAAACAAGGCGGCCATGGGAAGGAAAGAC[A>G]GCAGCTTCTCCCCAATATTCTGAGCCTGAGTCGTCTGAGCCCTTGGAGGCGAAGCAGGGG-3'
Protein context (NP_001010892.1, residues 18-38): GETRRPWEGK[Thr28=]AASPQYSEPE

ClinVar aggregate classification (germline): Uncertain significance (1 of 4 stars; one submission).

Conditions:
Primary ciliary dyskinesia. Also called: Ciliary dyskinesia. Identifiers: Orphanet 244, MedGen C0008780, MONDO:0016575, HP:0012265.

Submission:

Labcorp Genetics (formerly Invitae), Labcorp
Classification: Uncertain significance for Primary ciliary dyskinesia. Last evaluated: 2014-04-11. Review status: criteria provided, single submitter. Criteria: Invitae Variant Classification Sherloc (09022015). Collection method: clinical testing. Allele origin: germline.
Comment: There is no evidence to indicate that this sequence change is pathogenic. It is possible that this sequence change represents a benign polymorphism in the RSPH4A gene, although at this time the evidence is insufficient to prove that conclusively. This sequence change has not been reported in affected patients and has not been reported as a common polymorphism in the population. This sequence change does not change the protein sequence and is not predicted to affect splicing, but this prediction has not been confirmed by functional studies.